The following is an entry in ClinVar:

ClinVar aggregate classification (germline): Likely pathogenic (1 of 4 stars; one submission).

Conditions:
Intellectual developmental disorder, autosomal dominant 64. Also called: MENTAL RETARDATION, AUTOSOMAL DOMINANT 64. Identifiers: MedGen C5543067, MONDO:0030934, OMIM 619188.

gnomAD v4.1: 2 of 1,501,462 alleles (0.00013%); highest among the groups gnomAD compares: South Asian, 0.0027%; no homozygotes.

Submission:

Dasa
Classification: Likely pathogenic for Intellectual developmental disorder, autosomal dominant 64. Last evaluated: 2022-01-05. Review status: criteria provided, single submitter. Criteria: ACMG Guidelines, 2015. Collection method: clinical testing. Allele origin: germline. Affected: yes. Observed: 1 variant allele.
Comment: The variant creates a premature translational stop signal c.870C>A;p.(Tyr290*) in ZNF292 gene. It is expected to result in an absent or disrupted protein product - PVS1.This variant is not present in population databases (rs867732475, gnomAD; ABraOM no frequency) - PM2. In summary, the currently available evidence indicates that the variant is likely pathogenic.

NM_015021.3(ZNF292):c.870C>A (p.Tyr290Ter)

Gene: ZNF292 (zinc finger protein 292; plus strand). Cytogenetic location: 6q14.3.
Variant type: single nucleotide variant.
Coding change: c.870C>A on transcript NM_015021.3 (MANE Select); coding-DNA position 870, C replaced by A.
Protein change: p.Tyr290Ter; replaces tyrosine 290 with a stop codon.
Molecular consequence: nonsense.
Genome position (GRCh38, 1-based): chr6:87,243,603, C>A. VCF-style: chr6-87243603-C-A. GRCh37 (hg19) VCF-style: chr6-87953321-C-A.
Other names: c.450C>A, p.Tyr150Ter (NM_001351444.2); short protein forms Y150*, Y290*.
Identifiers: ClinVar variation 1334385 (VCV001334385.3), dbSNP rs867732475, ClinGen allele CA142892365.